The following is an entry in ClinVar:

NM_001257180.2(SLC20A2):c.1822_1848del (p.Ile608_Trp616del)

Gene: SLC20A2 (solute carrier family 20 member 2; minus strand). Cytogenetic location: 8p11.21.
Variant type: Deletion.
Coding change: c.1822_1848del on transcript NM_001257180.2 (MANE Select); coding-DNA positions 1822 to 1848, 27 bases deleted (ATCCGCTCCCGCAAGGCTGTGGACTGG).
Protein change: p.Ile608_Trp616del.
Molecular consequence: inframe deletion.
Genome position (GRCh38, 1-based): chr8:42,417,914-42,417,940, CCAGTCCACAGCCTTGCGGGAGCGGAT deleted on the plus strand (ATCCGCTCCCGCAAGGCTGTGGACTGG on the coding strand, the reverse complement: SLC20A2 is on the minus strand); deleting any 27 consecutive bases within chr8:42,417,914-42,417,944 gives the same sequence; the c. name uses the placement nearest the transcript's 3' end. VCF-style (leftmost placement, unchanged base first): chr8-42417913-GCCAGTCCACAGCCTTGCGGGAGCGGAT-G. GRCh37 (hg19) VCF-style: chr8-42275431-GCCAGTCCACAGCCTTGCGGGAGCGGAT-G.
Other names: c.1822_1848del, p.Ile608_Trp616del (NM_001257181.2, NM_006749.5).
Identifiers: ClinVar variation 1253805 (VCV001253805.3), dbSNP rs1802778819, ClinGen allele CA1779418308.

ClinVar aggregate classification (germline): Likely pathogenic (1 of 4 stars; one submission).

Submission:

GeneDx
Classification: Likely pathogenic. Last evaluated: 2022-11-11. Review status: criteria provided, single submitter. Criteria: GeneDx Variant Classification Process June 2021. Collection method: clinical testing. Allele origin: germline. Affected: yes.
Comment: Not observed at significant frequency in large population cohorts (gnomAD); In silico analysis supports a deleterious effect on protein structure/function; In-frame deletion of 9 amino acids in a non-repeat region; This variant is associated with the following publications: (PMID: 29955172)